The following is an entry in ClinVar:

ClinVar aggregate classification (germline): Conflicting classifications of pathogenicity. Review status: criteria provided, conflicting classifications (1 of 4 stars). 12 submissions from 12 submitters: Uncertain significance (1); Likely benign (7). 4 of the submissions do not count toward it. Last evaluated 2026-02-11.

Conditions:
LIPA-related disorder. Also called: LIPA-related disorders; LIPA-related condition.
Cardiovascular phenotype. Identifiers: MedGen CN230736.
Wolman disease (WOLD). Also called: LYSOSOMAL ACID LIPASE DEFICIENCY, ACUTE INFANTILE; LYSOSOMAL ACID LIPASE DEFICIENCY, COMPLETE; LIPA DEFICIENCY, COMPLETE; LAL DEFICIENCY, COMPLETE; CHOLESTEROL ESTER HYDROLASE DEFICIENCY, COMPLETE; Wolman disease with hypolipoproteinemia and acanthocytosis. Identifiers: Orphanet 75233, MedGen C0043208, MONDO:0019148, OMIM 620151.
Lysosomal acid lipase deficiency. Also called: Acid cholesteryl ester hydrolase deficiency, type 2. Identifiers: Orphanet 275761, MedGen C5574740, MONDO:0800449, MONDO:0010204.

Allele frequency attached by ClinVar (database versions not stated): 1000 Genomes Project 30x 0.00031; 1000 Genomes Project 0.00040; gnomAD 0.00130 and 0.00140; ExAC 0.00138; gnomAD exomes 0.00139; TOPMed 0.00153; ESP Exome Variant Server 0.00154.
gnomAD v4.1: 3,504 of 1,613,746 alleles (0.22%); highest among the groups gnomAD compares: Non-Finnish European, 0.27%; 7 homozygotes.

Submissions (16):

GENinCode PLC
Classification: Likely benign for Lysosomal acid lipase deficiency. Last evaluated: 2026-02-11. Review status: criteria provided, single submitter. Criteria: ACMG Guidelines, 2015. Collection method: clinical testing. Allele origin: germline.
Comment: The LIPA c.754A>T p.(Ile252Leu) variant has a PopMax FAF which is greater than expected for this disorder and is predicted to have a benign effect on protein function (Revel= 0.047). This variant has been classified as Likely Benign (BS1, BP4).

Labcorp Genetics (formerly Invitae), Labcorp
Classification: Likely benign for Wolman disease. Last evaluated: 2026-02-02. Review status: criteria provided, single submitter. Criteria: Invitae Variant Classification Sherloc (09022015). Collection method: clinical testing. Allele origin: germline.

Ambry Genetics
Classification: Likely benign for Cardiovascular phenotype. Last evaluated: 2025-07-25. Review status: criteria provided, single submitter. Criteria: Ambry Variant Classification Scheme 2023. Collection method: clinical testing. Allele origin: germline.

CeGaT Center for Human Genetics Tuebingen
Classification: Likely benign. Last evaluated: 2025-07-01. Review status: criteria provided, single submitter. Criteria: CeGaT Center For Human Genetics Tuebingen Variant Classification Criteria Version 2. Collection method: clinical testing. Allele origin: germline. Affected: yes. Observed: 1 variant allele.
Comment: LIPA: BP4, BS2

Blueprint Genetics
Classification: Likely benign. Last evaluated: 2024-11-27. Review status: criteria provided, single submitter. Criteria: ACMG Guidelines, 2015. Collection method: clinical testing. Allele origin: germline.

GeneDx
Classification: Likely benign. Last evaluated: 2021-02-26. Review status: criteria provided, single submitter. Criteria: GeneDx Variant Classification Process June 2021. Collection method: clinical testing. Allele origin: germline. Affected: yes.
Comment: In silico analysis supports that this missense variant does not alter protein structure/function; This variant is associated with the following publications: (PMID: 29196158)

Illumina Laboratory Services, Illumina
Classification: Uncertain significance for Cholesteryl ester storage disease. Last evaluated: 2018-01-13. Review status: criteria provided, single submitter. Criteria: ICSL Variant Classification Criteria 13 December 2019. Collection method: clinical testing. Allele origin: germline.

Eurofins Ntd Llc (ga)
Classification: Likely benign. Last evaluated: 2017-04-13. Review status: criteria provided, single submitter. Criteria: EGL Classification Definitions 2015. Collection method: clinical testing. Allele origin: germline. Observed: 4 variant alleles, 4 heterozygotes.

PreventionGenetics, part of Exact Sciences
Classification: Likely benign for LIPA-related condition. Last evaluated: 2021-04-18. Review status: no assertion criteria provided. Collection method: clinical testing. Allele origin: germline. Not counted in ClinVar's aggregate classification.
Comment: This variant is classified as likely benign based on ACMG/AMP sequence variant interpretation guidelines (Richards et al. 2015 PMID: 25741868, with internal and published modifications).

Natera, Inc.
Classification: Likely benign for Lysosomal acid lipase deficiency. Last evaluated: 2020-04-11. Review status: no assertion criteria provided. Collection method: clinical testing. Allele origin: germline. Not counted in ClinVar's aggregate classification.

Clinical Genetics DNA and cytogenetics Diagnostics Lab, Erasmus MC, Erasmus Medical Center
Classification: Likely benign. Review status: no assertion criteria provided. Collection method: clinical testing. Allele origin: germline. Affected: yes. Study: VKGL Data-share Consensus. Not counted in ClinVar's aggregate classification.

Clinical Genetics, Academic Medical Center
Classification: Benign. Review status: no assertion criteria provided. Collection method: clinical testing. Allele origin: germline. Affected: yes. Study: VKGL Data-share Consensus. Not counted in ClinVar's aggregate classification.

Dr. Peter K. Rogan Lab, Western University
No classification provided (evidence only). Condition: Melanoma. Review status: no classification provided. Collection method: in vitro. Allele origin: not applicable. Functional consequence: retained intron. Not counted in ClinVar's aggregate classification.

Dr. Peter K. Rogan Lab, Western University
No classification provided (evidence only). Condition: Acute myeloid leukemia. Review status: no classification provided. Collection method: in vitro. Allele origin: not applicable. Functional consequence: skipped exon, retained intron. Not counted in ClinVar's aggregate classification.

Dr. Peter K. Rogan Lab, Western University
No classification provided (evidence only). Condition: Colon adenocarcinoma. Review status: no classification provided. Collection method: in vitro. Allele origin: not applicable. Functional consequence: retained intron. Not counted in ClinVar's aggregate classification.

Dr. Peter K. Rogan Lab, Western University
No classification provided (evidence only). Condition: Cholangiocarcinoma. Review status: no classification provided. Collection method: in vitro. Allele origin: not applicable. Functional consequence: retained intron. Not counted in ClinVar's aggregate classification.

Literature cited by the submitters: PubMed 29196158 (cited by Ambry Genetics).

NM_000235.4(LIPA):c.754A>T (p.Ile252Leu)

Gene: LIPA (lipase A, lysosomal acid type; minus strand). Cytogenetic location: 10q23.31.
Variant type: single nucleotide variant.
Coding change: c.754A>T on transcript NM_000235.4 (MANE Select); coding-DNA position 754, A replaced by T.
Protein change: p.Ile252Leu; replaces isoleucine 252 with leucine.
Molecular consequence: missense variant.
Genome position (GRCh38, 1-based): chr10:89,223,752, T>A on the plus strand (A>T on the coding strand, the complement: LIPA is on the minus strand). VCF-style: chr10-89223752-T-A. GRCh37 (hg19) VCF-style: chr10-90983509-T-A.
Other names: c.754A>T, p.Ile252Leu (NM_001127605.3); c.406A>T, p.Ile136Leu (NM_001288979.2); short protein forms I252L, I136L.
Identifiers: ClinVar variation 301576 (VCV000301576.43), dbSNP rs147493628, ClinGen allele CA5593621.
Genomic context (GRCh38, chr10:89,223,752, plus strand): 5'-AATTTCTCTCATTAAATCCACACAGAAGAAAACAGAGATTTCCACAGAGCTCCTTCAGTA[T>A]GACATGAGTGCAAACGTGGGTACCCAGCCACTTCAAAAACGCACTCTGGGGAAGAAATTC-3'
Protein context (NP_000226.2, residues 242-262): WLGTHVCTHV[Ile252Leu]LKELCGNLCF